The following is an entry in ClinVar:

NM_001376.5(DYNC1H1):c.3670A>C (p.Ile1224Leu)

Gene: DYNC1H1 (dynein cytoplasmic 1 heavy chain 1; plus strand). Cytogenetic location: 14q32.31.
Variant type: single nucleotide variant.
Coding change: c.3670A>C on transcript NM_001376.5 (MANE Select); coding-DNA position 3670, A replaced by C.
Protein change: p.Ile1224Leu; replaces isoleucine 1224 with leucine.
Molecular consequence: missense variant.
Genome position (GRCh38, 1-based): chr14:101,997,140, A>C. VCF-style: chr14-101997140-A-C. GRCh37 (hg19) VCF-style: chr14-102463477-A-C.
Other names: short protein forms I1224L.
Identifiers: ClinVar variation 2500504 (VCV002500504.1), dbSNP rs746386497, ClinGen allele CA391036007.

ClinVar aggregate classification (germline): Uncertain significance (1 of 4 stars; one submission).

Submission:

GeneDx
Classification: Uncertain significance. Last evaluated: 2022-10-27. Review status: criteria provided, single submitter. Criteria: GeneDx Variant Classification Process June 2021. Collection method: clinical testing. Allele origin: germline. Affected: yes.
Comment: Not observed at significant frequency in large population cohorts (gnomAD); In silico analysis supports that this missense variant does not alter protein structure/function; Has not been previously published as pathogenic or benign to our knowledge; This variant is associated with the following publications: (PMID: 26100331, 25609763, 25512093)